The following is an entry in ClinVar:

NM_001267550.2(TTN):c.13654G>A (p.Val4552Ile)

Gene: TTN (titin; minus strand). Cytogenetic location: 2q31.2.
Variant type: single nucleotide variant.
Coding change: c.13654G>A on transcript NM_001267550.2 (MANE Select); coding-DNA position 13654, G replaced by A.
Protein change: p.Val4552Ile; replaces valine 4552 with isoleucine.
Molecular consequence: missense variant. On other transcripts: intron variant (1).
Genome position (GRCh38, 1-based): chr2:178,739,579, C>T on the plus strand (G>A on the coding strand, the complement: TTN is on the minus strand). VCF-style: chr2-178739579-C-T. GRCh37 (hg19) VCF-style: chr2-179604306-C-T.
Other names: c.12703G>A, p.Val4235Ile (NM_001256850.1); c.12565G>A, p.Val4189Ile (NM_003319.4); c.13141G>A, p.Val4381Ile (NM_133437.4); c.10361-1219G>A (NM_133378.4); c.12940G>A, p.Val4314Ile (NM_133432.3); short protein forms V4314I, V4552I, V4189I, V4235I, V4381I.
Identifiers: ClinVar variation 179574 (VCV000179574.5), dbSNP rs374214280, ClinGen allele CA184692.

ClinVar aggregate classification (germline): Uncertain significance (1 of 4 stars; one submission).

Submission:

Laboratory for Molecular Medicine, Mass General Brigham Personalized Medicine
Classification: Uncertain significance. Last evaluated: 2014-02-28. Review status: criteria provided, single submitter. Criteria: LMM Criteria. Collection method: clinical testing. Allele origin: germline. Observed: 1 variant allele.
Comment: The Val4314Ile variant in TTN has not been previously reported in individuals wi th cardiomyopathy or in large population studies. Computational prediction tools and conservation analysis are limited or unavailable for this variant. Addition al information is needed to fully assess the clinical significance of this varia nt.